The following is an entry in ClinVar:

NM_004082.5(DCTN1):c.3568G>T (p.Ala1190Ser)

Gene: DCTN1 (dynactin subunit 1; minus strand). Cytogenetic location: 2p13.1.
Variant type: single nucleotide variant.
Coding change: c.3568G>T on transcript NM_004082.5 (MANE Select); coding-DNA position 3568, G replaced by T.
Protein change: p.Ala1190Ser; replaces alanine 1190 with serine.
Molecular consequence: missense variant. On other transcripts: non-coding transcript variant (1).
Genome position (GRCh38, 1-based): chr2:74,362,691, C>A on the plus strand (G>T on the coding strand, the complement: DCTN1 is on the minus strand). VCF-style: chr2-74362691-C-A. GRCh37 (hg19) VCF-style: chr2-74589818-C-A.
Other names: c.3493G>T, p.Ala1165Ser (NM_001135040.3); c.3151G>T, p.Ala1051Ser (NM_001135041.3); c.3442G>T, p.Ala1148Ser (NM_001190836.2); c.3547G>T, p.Ala1183Ser (NM_001190837.2); c.3517G>T, p.Ala1173Ser (NM_001378991.1); c.3499G>T, p.Ala1167Ser (NM_001378992.1); c.3166G>T, p.Ala1056Ser (NM_023019.4); short protein forms A1148S, A1051S, A1167S, A1190S, A1056S, A1165S, A1173S, A1183S.
Identifiers: ClinVar variation 2585046 (VCV002585046.1), dbSNP rs1251814285, ClinGen allele CA347336746.
Genomic context (GRCh38, chr2:74,362,691, plus strand): 5'-CCTGGCAAACTGAGCTGACCTTGAGCTTCTCGACGGTGTCACTCAGGGACTTAAGCTGAG[C>A]CACTTGCTCCATAAGTTGGGCCGACGGGCTCTTGGCAGCTGTGGGGAGAGAAAGCTGGTG-3'
Protein context (NP_004073.2, residues 1180-1200): SPSAQLMEQV[Ala1190Ser]QLKSLSDTVE

ClinVar aggregate classification (germline): Uncertain significance (1 of 4 stars; one submission).

Conditions:
Neuronopathy, distal hereditary motor, type 7B. Also called: Distal Hereditary Motor Neuronopathy Type 7B (dHMN7B); HMN VIIB; LOWER MOTOR NEURON DISEASE, DYNACTIN TYPE; NEURONOPATHY, DISTAL HEREDITARY MOTOR, AUTOSOMAL DOMINANT 14; NEURONOPATHY, DISTAL HEREDITARY MOTOR, HARDING TYPE VIIB; NEUROPATHY, DISTAL HEREDITARY MOTOR, HARDING TYPE VIIB. Identifiers: Orphanet 139589, MedGen C1843315, MONDO:0011879, OMIM 607641.

gnomAD v4.1: 6 of 1,614,000 alleles (0.00037%); highest among the groups gnomAD compares: Non-Finnish European, 0.00051%; no homozygotes.

Submission:

Neuberg Centre For Genomic Medicine, NCGM
Classification: Uncertain significance for Neuronopathy, distal hereditary motor, type 7B. Review status: criteria provided, single submitter. Criteria: ACMG Guidelines, 2015. Collection method: clinical testing. Allele origin: germline. Inheritance: Autosomal dominant inheritance. Affected: yes.
Comment: The missense variant c.3568G>T (p.Ala1190Ser) in DCTN1 gene has not been reported previously as a pathogenic variant nor as a benign variant, to our knowledge. The p.Ala1190Ser variant is novel (not in any individuals) in gnomAD Exomes and 1000 Genomes. The amino acid Ala at position 1190 is changed to a Ser changing protein sequence and it might alter its composition and physico-chemical properties. For these reasons, this variant has been classified as Uncertain Significance (VUS).